The following is an entry in ClinVar:

ClinVar aggregate classification (germline): Uncertain significance (1 of 4 stars; one submission).

Conditions:
Cardiovascular phenotype. Identifiers: MedGen CN230736.

Submission:

Ambry Genetics
Classification: Uncertain significance for Cardiovascular phenotype. Last evaluated: 2024-03-04. Review status: criteria provided, single submitter. Criteria: Ambry Variant Classification Scheme 2023. Collection method: clinical testing. Allele origin: germline.
Comment: The p.Q3300L variant (also known as c.9899A>T), located in coding exon 28 of the TNXB gene, results from an A to T substitution at nucleotide position 9899. The glutamine at codon 3300 is replaced by leucine, an amino acid with dissimilar properties. This amino acid position is conserved. In addition, this alteration is predicted to be tolerated by in silico analysis. Based on the available evidence, the clinical significance of this alteration remains unclear.

NM_001365276.2(TNXB):c.9905A>T (p.Gln3302Leu)

Gene: TNXB (tenascin XB; minus strand). Cytogenetic location: 6p21.33.
Variant type: single nucleotide variant.
Coding change: c.9905A>T on transcript NM_001365276.2 (MANE Select); coding-DNA position 9905, A replaced by T.
Protein change: p.Gln3302Leu; replaces glutamine 3302 with leucine.
Molecular consequence: missense variant.
Genome position (GRCh38, 1-based): chr6:32,048,503, T>A on the plus strand (A>T on the coding strand, the complement: TNXB is on the minus strand). VCF-style: chr6-32048503-T-A. GRCh37 (hg19) VCF-style: chr6-32016280-T-A.
Other names: c.9899A>T, p.Gln3300Leu (NM_019105.8); c.10646A>T, p.Gln3549Leu (NM_001428335.1); short protein forms Q3300L, Q3302L, Q3549L.
Identifiers: ClinVar variation 3227372 (VCV003227372.1), dbSNP rs2483415899, ClinGen allele CA363534191.